The following is an entry in ClinVar:

ClinVar aggregate classification (germline): Uncertain significance (1 of 4 stars; one submission).

Submission:

Centre of Medical Genetics, University Hospital Muenster
Classification: Uncertain significance. Last evaluated: 2023-12-14. Review status: criteria provided, single submitter. Criteria: ACMG Guidelines, 2015. Collection method: clinical testing. Allele origin: unknown. Affected: yes. Observed: 1 variant allele, 1 heterozygote.
Comment: ACMG categories: PVS1

NM_001378452.1(ITPR1):c.8244_8245dup (p.His2749fs)

Gene: ITPR1 (inositol 1,4,5-trisphosphate receptor type 1; plus strand). Cytogenetic location: 3p26.1.
Variant type: Duplication.
Coding change: c.8244_8245dup on transcript NM_001378452.1 (MANE Select); coding-DNA positions 8244 to 8245, 2 bases duplicated (TC; older notation c.8244_8245dupTC).
Protein change: p.His2749fs; shifts the reading frame from histidine 2749.
Molecular consequence: frameshift variant.
Genome position (GRCh38, 1-based): chr3:4,846,192-4,846,193, TC duplicated; duplicating any 2 consecutive bases within chr3:4,846,191-4,846,193 gives the same sequence; the c. name uses the placement nearest the transcript's 3' end. VCF-style (leftmost placement, unchanged base first): chr3-4846190-C-CCT. GRCh37 (hg19) VCF-style: chr3-4887874-C-CCT.
Other names: c.8100_8101dup, p.His2701fs (NM_001099952.4); c.8199_8200dup, p.His2734fs (NM_001168272.2); c.8055_8056dup, p.His2686fs (NM_002222.7); short protein forms H2686fs, H2701fs, H2734fs, H2749fs.
Identifiers: ClinVar variation 3383411 (VCV003383411.2).